The following is an entry in ClinVar:

ClinVar aggregate classification (germline): Benign (1 of 4 stars; one submission).

Conditions:
Glycogen storage disease, type II (IOPD). Also called: Pompe Disease; CARDIOMEGALIA GLYCOGENICA DIFFUSA; GLYCOGENOSIS, GENERALIZED, CARDIAC FORM; GSD II; POMPE DISEASE, INFANTILE-ONSET; GLYCOGEN STORAGE DISEASE II, INFANTILE-ONSET. Identifiers: Orphanet 365, MedGen C0017921, MONDO:0009290, OMIM 232300.

gnomAD v4.1: 99,329 of 151,802 alleles (65%); highest among the groups gnomAD compares: Middle Eastern, 85%; 33,345 homozygotes.

Submission:

Genomenon, Inc
Classification: Benign for Glycogen storage disease, type II. Last evaluated: 2026-07-01. Review status: criteria provided, single submitter. Criteria: Genomenon Sequence Variant Interpretation Standards - Updated. Collection method: curation. Allele origin: germline. Affected: no.
Comment: GAA c.693-414C>G is an intronic variant located in intron 3. This variant is present at high allele frequency in population databases. We classify GAA c.693-414C>G as a benign variant.

NM_000152.5(GAA):c.693-414C>G

Gene: GAA (alpha glucosidase; plus strand). Cytogenetic location: 17q25.3.
Variant type: single nucleotide variant.
Coding change: c.693-414C>G on transcript NM_000152.5 (MANE Select); 414 bases into the intron before coding-DNA position 693, C replaced by G.
Molecular consequence: intron variant.
Genome position (GRCh38, 1-based): chr17:80,107,143, C>G. VCF-style: chr17-80107143-C-G. GRCh37 (hg19) VCF-style: chr17-78080942-C-G.
Other names: c.693-414C>G (NM_001406741.1, NM_001406742.1, NM_001079803.3 and 1 more transcripts).
Identifiers: ClinVar variation 4876415 (VCV004876415.1).